The following is an entry in ClinVar:

NM_001042492.3(NF1):c.3484A>C (p.Met1162Leu)

Gene: NF1 (neurofibromin 1; plus strand). Cytogenetic location: 17q11.2.
Variant type: single nucleotide variant.
Coding change: c.3484A>C on transcript NM_001042492.3 (MANE Select); coding-DNA position 3484, A replaced by C.
Protein change: p.Met1162Leu; replaces methionine 1162 with leucine.
Molecular consequence: missense variant.
Genome position (GRCh38, 1-based): chr17:31,232,869, A>C. VCF-style: chr17-31232869-A-C. GRCh37 (hg19) VCF-style: chr17-29559887-A-C.
Other names: c.3484A>C, p.Met1162Leu (NM_000267.4); short protein forms M1162L.
Identifiers: ClinVar variation 2905440 (VCV002905440.4), dbSNP rs773968270, ClinGen allele CA398989443.

ClinVar aggregate classification (germline): Uncertain significance. Review status: criteria provided, multiple submitters, no conflicts (2 of 4 stars). 2 submissions from 2 submitters: Uncertain significance (2). Last evaluated 2024-03-04.

Conditions:
Juvenile myelomonocytic leukemia (JMML). Also called: LEUKEMIA, JUVENILE MYELOMONOCYTIC, SOMATIC. Identifiers: Orphanet 86834, MedGen C0349639, MONDO:0011908, OMIM 607785, HP:0012209.
Neurofibromatosis, type 1 (NF1). Also called: VON RECKLINGHAUSEN DISEASE; NEUROFIBROMATOSIS, TYPE I, SOMATIC; Peripheral type neurofibromatosis; Neurofibromatosis, type I. Identifiers: Orphanet 636, MedGen C0027831, MONDO:0018975, OMIM 162200. Disease mechanism: loss of function.

Submissions (2):

Baylor Genetics
Classification: Uncertain significance for Juvenile myelomonocytic leukemia. Last evaluated: 2024-03-04. Review status: criteria provided, single submitter. Criteria: ACMG Guidelines, 2015. Collection method: clinical testing. Allele origin: unknown.

Labcorp Genetics (formerly Invitae), Labcorp
Classification: Uncertain significance for Neurofibromatosis, type 1. Last evaluated: 2023-10-22. Review status: criteria provided, single submitter. Criteria: Invitae Variant Classification Sherloc (09022015). Collection method: clinical testing. Allele origin: germline.
Comment: This sequence change replaces methionine, which is neutral and non-polar, with leucine, which is neutral and non-polar, at codon 1162 of the NF1 protein (p.Met1162Leu). This variant is not present in population databases (gnomAD no frequency). This variant has not been reported in the literature in individuals affected with NF1-related conditions. Advanced modeling of protein sequence and biophysical properties (such as structural, functional, and spatial information, amino acid conservation, physicochemical variation, residue mobility, and thermodynamic stability) performed at Invitae indicates that this missense variant is not expected to disrupt NF1 protein function with a negative predictive value of 95%. In summary, the available evidence is currently insufficient to determine the role of this variant in disease. Therefore, it has been classified as a Variant of Uncertain Significance.